The following is an entry in ClinVar:

NM_001370259.2(MEN1):c.1049+3G>A

Gene: MEN1 (menin 1; minus strand). Cytogenetic location: 11q13.1.
Variant type: single nucleotide variant.
Coding change: c.1049+3G>A on transcript NM_001370259.2 (MANE Select); 3 bases into the intron after coding-DNA position 1049, G replaced by A.
Molecular consequence: intron variant.
Genome position (GRCh38, 1-based): chr11:64,806,229, C>T on the plus strand (G>A on the coding strand, the complement: MEN1 is on the minus strand). VCF-style: chr11-64806229-C-T. GRCh37 (hg19) VCF-style: chr11-64573701-C-T.
Other names: c.1064+3G>A (NM_130804.3, NM_130803.3, NM_000244.4 and 3 more transcripts); c.1049+3G>A (NM_130799.3, NM_001370260.2, NM_001370251.2 and 1 more transcripts); c.944+3G>A (NM_001370263.2, NM_001370262.2).
Identifiers: ClinVar variation 1776244 (VCV001776244.4), dbSNP rs2497171629, ClinGen allele CA2580084477.

ClinVar aggregate classification (germline): Conflicting classifications of pathogenicity. Review status: criteria provided, conflicting classifications (1 of 4 stars). 2 submissions from 2 submitters: Uncertain significance (1); Likely benign (1). Last evaluated 2025-10-17.

Conditions:
Hereditary cancer-predisposing syndrome. Also called: Tumor predisposition; Neoplastic Syndromes, Hereditary; Hereditary Cancer Syndrome; Hereditary neoplastic syndrome. Identifiers: Orphanet 140162, MedGen C0027672, MeSH D009386, MONDO:0015356.
Multiple endocrine neoplasia, type 1 (MEN1). Also called: MEN I; WERMER SYNDROME; Endocrine adenomatosis multiple; MEN 1; MEA I. Identifiers: Orphanet 652, MedGen C0025267, MeSH D018761, MONDO:0007540, OMIM 131100.

Submissions (2):

Ambry Genetics
Classification: Uncertain significance for Hereditary cancer-predisposing syndrome. Last evaluated: 2025-10-17. Review status: criteria provided, single submitter. Criteria: Ambry Variant Classification Scheme 2023. Collection method: clinical testing. Allele origin: germline.
Comment: The c.1049+3G>A intronic variant results from a G to A substitution 3 nucleotides after coding exon 6 in the MEN1 gene. This nucleotide position is well conserved in available vertebrate species. In silico splice site analysis predicts that this alteration will not have any significant effect on splicing. Since supporting evidence is limited at this time, the clinical significance of this alteration remains unclear.

Myriad Genetics, Inc.
Classification: Likely benign for Multiple endocrine neoplasia, type 1. Last evaluated: 2024-11-04. Review status: criteria provided, single submitter. Criteria: Myriad Autosomal Dominant, Autosomal Recessive and X-Linked Classification Criteria (2023). Collection method: clinical testing. Allele origin: unknown.
Comment: This variant is considered likely benign. This variant is intronic and is not expected to impact mRNA splicing.